The following is an entry in ClinVar:

ClinVar aggregate classification (germline): Likely benign. Review status: criteria provided, multiple submitters, no conflicts (2 of 4 stars). 2 submissions from 2 submitters: Likely benign (2). Last evaluated 2025-03-26.

Conditions:
Peutz-Jeghers syndrome (PJS). Also called: POLYPOSIS, HAMARTOMATOUS INTESTINAL; POLYPS-AND-SPOTS SYNDROME; Peutz-Jeghers polyposis; Periorificial lentiginosis syndrome. Identifiers: Orphanet 2869, MedGen C0031269, MeSH D010580, MONDO:0008280, OMIM 175200.

Allele frequency attached by ClinVar (database versions not stated): gnomAD exomes below 0.00001; TOPMed below 0.00001.
gnomAD v4.1: 1 of 1,577,198 alleles (0.000063%); highest among the groups gnomAD compares: African/African-American, 0.0013%; no homozygotes.

Submissions (2):

Myriad Genetics, Inc.
Classification: Likely benign for Peutz-Jeghers syndrome. Last evaluated: 2025-03-26. Review status: criteria provided, single submitter. Criteria: Myriad Autosomal Dominant, Autosomal Recessive and X-Linked Classification Criteria (2023). Collection method: clinical testing. Allele origin: unknown.
Comment: This variant is considered likely benign. This variant is intronic and is not expected to impact mRNA splicing.

Labcorp Genetics (formerly Invitae), Labcorp
Classification: Likely benign for Peutz-Jeghers syndrome. Last evaluated: 2024-05-07. Review status: criteria provided, single submitter. Criteria: Invitae Variant Classification Sherloc (09022015). Collection method: clinical testing. Allele origin: germline.

NM_000455.5(STK11):c.598-9C>T

Gene: STK11 (serine/threonine kinase 11; plus strand). Cytogenetic location: 19p13.3.
Variant type: single nucleotide variant.
Coding change: c.598-9C>T on transcript NM_000455.5 (MANE Select); 9 bases into the intron before coding-DNA position 598, C replaced by T.
Molecular consequence: intron variant.
Genome position (GRCh38, 1-based): chr19:1,220,572, C>T. VCF-style: chr19-1220572-C-T. GRCh37 (hg19) VCF-style: chr19-1220571-C-T.
Identifiers: ClinVar variation 1658115 (VCV001658115.9), dbSNP rs2080775710, ClinGen allele CA2317589866.
Genomic context (GRCh38, chr19:1,220,572, plus strand): 5'-ACGTGCTAGGGGGGGCCCTGGGGCGCCCCCTCCCGGGCACTCCCTGAGGGCTGCACGGCA[C>T]CGCCACAGGCACTGCACCCGTTCGCGGCGGACGACACCTGCCGGACCAGCCAGGGCTCCC-3'